The following is an entry in ClinVar:

NM_001611.5(ACP5):c.375_376insTA (p.Ile126Ter)

Gene: ACP5 (acid phosphatase 5, tartrate resistant; minus strand). Cytogenetic location: 19p13.2.
Variant type: Insertion.
Coding change: c.375_376insTA on transcript NM_001611.5 (MANE Select); coding-DNA positions 375 to 376, TA inserted.
Protein change: p.Ile126Ter; replaces isoleucine 126 with a stop codon.
Molecular consequence: nonsense.
Genome position: GRCh38 VCF-style: chr19-11576729-T-TTA. GRCh37 (hg19) VCF-style: chr19-11687544-T-TTA.
Other names: c.375_376insTA, p.Ile126Ter (NM_001111034.3, NM_001111035.3, NM_001111036.3 and 1 more transcripts); short protein forms I126*.
Identifiers: ClinVar variation 1401166 (VCV001401166.6), dbSNP rs1171155255, ClinGen allele CA783295608.
Genomic context (GRCh38, chr19:11,576,729, plus strand): 5'-TCCCTGCTATGTGAGGATCTCGGAAGGCAGGGCTGAGGGTGGCTCACCAGCGCTTGGAGA[T>TTA]CTTAGAGTATGCAATCTGGGCAGAGACATTGCCAAGGTGGTCATGGTTTCCGGCTAGCAC-3'

ClinVar aggregate classification (germline): Pathogenic (1 of 4 stars; one submission).

Conditions:
Spondyloenchondrodysplasia with immune dysregulation (SPENCDI). Also called: COMBINED IMMUNODEFICIENCY WITH AUTOIMMUNITY AND SPONDYLOMETAPHYSEAL DYSPLASIA; ROIFMAN IMMUNOSKELETAL SYNDROME; SPONDYLOENCHONDRODYSPLASIA WITH OR WITHOUT IMMUNE DYSREGULATION. Identifiers: Orphanet 1855, MedGen C1842763, MONDO:0011939, OMIM 607944.

Allele frequency attached by ClinVar (database versions not stated): gnomAD exomes below 0.00001; TOPMed below 0.00001; gnomAD 0.00001.

Submission:

Labcorp Genetics (formerly Invitae), Labcorp
Classification: Pathogenic for Spondyloenchondrodysplasia with immune dysregulation. Last evaluated: 2022-04-21. Review status: criteria provided, single submitter. Criteria: Invitae Variant Classification Sherloc (09022015). Collection method: clinical testing. Allele origin: germline.
Comment: This sequence change creates a premature translational stop signal (p.Ile126*) in the ACP5 gene. It is expected to result in an absent or disrupted protein product. Loss-of-function variants in ACP5 are known to be pathogenic (PMID: 21217752, 21217755). This variant is not present in population databases (gnomAD no frequency). This variant has not been reported in the literature in individuals affected with ACP5-related conditions. Algorithms developed to predict the effect of sequence changes on RNA splicing suggest that this variant may disrupt the consensus splice site. For these reasons, this variant has been classified as Pathogenic.

Literature cited by the submitters: PubMed 21217752; PubMed 21217755.